The following is an entry in ClinVar:

NM_005267.5(GJA8):c.1126G>A (p.Gly376Arg)

Gene: GJA8 (gap junction protein alpha 8; plus strand). Cytogenetic location: 1q21.2.
Variant type: single nucleotide variant.
Coding change: c.1126G>A on transcript NM_005267.5 (MANE Select); coding-DNA position 1126, G replaced by A.
Protein change: p.Gly376Arg; replaces glycine 376 with arginine.
Molecular consequence: missense variant.
Genome position (GRCh38, 1-based): chr1:147,909,081, G>A. VCF-style: chr1-147909081-G-A. GRCh37 (hg19) VCF-style: chr1-147381208-G-A.
Other names: short protein forms G376R.
Identifiers: ClinVar variation 842697 (VCV000842697.9), dbSNP rs782314953, ClinGen allele CA1066098.

ClinVar aggregate classification (germline): Uncertain significance (1 of 4 stars; one submission).

Conditions:
Cataract 1 multiple types. Also called: CATARACT 1, MULTIPLE TYPES, WITH OR WITHOUT MICROCORNEA; CATARACT 1, NUCLEAR PROGRESSIVE; CATARACT 1 WITH MICROCORNEA; CATARACT, DUFFY-LINKED; CATARACT 1, POSTERIOR SUBCAPSULAR, WITH MICROCORNEA; CATARACT 1, STELLATE NUCLEAR, WITH MICROCORNEA. Identifiers: Orphanet 1377, MedGen C1861828, MONDO:0007285, OMIM 116200.

gnomAD v4.1: 3 of 1,610,270 alleles (0.00019%); highest among the groups gnomAD compares: Non-Finnish European, 0.000085%; no homozygotes.

Submission:

Labcorp Genetics (formerly Invitae), Labcorp
Classification: Uncertain significance for Cataract 1 multiple types. Last evaluated: 2019-11-20. Review status: criteria provided, single submitter. Criteria: Invitae Variant Classification Sherloc (09022015). Collection method: clinical testing. Allele origin: germline.
Comment: Algorithms developed to predict the effect of missense changes on protein structure and function output the following: SIFT: "Tolerated"; PolyPhen-2: "Benign"; Align-GVGD: "Class C0". The arginine amino acid residue is found in multiple mammalian species, suggesting that this missense change does not adversely affect protein function. These predictions have not been confirmed by published functional studies and their clinical significance is uncertain. In summary, the available evidence is currently insufficient to determine the role of this variant in disease. Therefore, it has been classified as a Variant of Uncertain Significance. This variant has not been reported in the literature in individuals with GJA8-related conditions. This sequence change replaces glycine with arginine at codon 376 of the GJA8 protein (p.Gly376Arg). The glycine residue is weakly conserved and there is a moderate physicochemical difference between glycine and arginine. This variant is present in population databases (rs782314953, ExAC 0.002%).